The following is an entry in ClinVar:

NM_001009944.3(PKD1):c.6335A>T (p.His2112Leu)

Gene: PKD1 (polycystin 1, transient receptor potential channel interacting; minus strand). Cytogenetic location: 16p13.3.
Variant type: single nucleotide variant.
Coding change: c.6335A>T on transcript NM_001009944.3 (MANE Select); coding-DNA position 6335, A replaced by T.
Protein change: p.His2112Leu; replaces histidine 2112 with leucine.
Molecular consequence: missense variant.
Genome position (GRCh38, 1-based): chr16:2,108,832, T>A on the plus strand (A>T on the coding strand, the complement: PKD1 is on the minus strand). VCF-style: chr16-2108832-T-A. GRCh37 (hg19) VCF-style: chr16-2158833-T-A.
Other names: c.6335A>T, p.His2112Leu (NM_000296.4); short protein forms H2112L.
Identifiers: ClinVar variation 4536065 (VCV004536065.3).

ClinVar aggregate classification (germline): Conflicting classifications of pathogenicity. Review status: criteria provided, conflicting classifications (1 of 4 stars). 3 submissions from 3 submitters: Likely pathogenic (1); Uncertain significance (2). Last evaluated 2026-03-20.

Conditions:
Polycystic kidney disease, adult type (PKD1). Also called: Polycystic Kidney, Autosomal Dominant; POLYCYSTIC KIDNEY DISEASE, ADULT, TYPE I; Polycystic Kidney Disease 1, Autosomal Dominant; Polycystic kidney disease 1; Polycystic kidney disease 1, severe; POLYCYSTIC KIDNEY DISEASE 1 WITH OR WITHOUT POLYCYSTIC LIVER DISEASE. Identifiers: MedGen C3149841, MONDO:0008263, OMIM 173900.
PKD1-related disorder. Also called: PKD1-related condition.

Submissions (3):

Victorian Clinical Genetics Services, Murdoch Childrens Research Institute
Classification: Uncertain significance for Polycystic kidney disease, adult type. Last evaluated: 2026-03-20. Review status: criteria provided, single submitter. Criteria: ACMG Guidelines, 2015. Collection method: clinical testing. Allele origin: germline. Affected: yes.
Comment: This variant is classified as VUS-3A. Evidence in support of pathogenic classification: Variant is absent from gnomAD (v2, v3 and v4); Missense variant predicted to be damaging by in silico tool(s) or highly conserved with a major amino acid change. Additional information: Variant is predicted to result in a missense amino acid change from His to Leu; This variant is heterozygous; This gene is associated with autosomal dominant disease. Polycystic kidney disease 1 (MIM#173900) is predominantly caused by monoallelic variants, with rare reports of biallelic variants causing disease (OMIM); Alternative amino acid change(s) at the same position are present in gnomAD (highest allele count: v4: 2 heterozygote(s), 0 homozygote(s)); Previous evidence of pathogenicity for this variant is inconclusive. This variant has been classified as a VUS by a clinical laboratory in ClinVar. No published evidence of segregation with disease has been identified for this variant; No published functional evidence has been identified for this variant; Another missense variant comparable to the one identified in this case has inconclusive previous evidence for pathogenicity. The p.(His2112Pro) variant has been classified as a VUS by clinical laboratories in ClinVar. Variant is located in the annotated PKD domain (DECIPHER); Loss of function is a known mechanism of disease in this gene and is associated with polycystic kidney disease 1 (MIM#173900); Inheritance information for this variant is not currently available in this individual.

Women's Health and Genetics/Laboratory Corporation of America, LabCorp
Classification: Uncertain significance. Last evaluated: 2025-09-22. Review status: criteria provided, single submitter. Criteria: LabCorp Variant Classification Summary - May 2015. Collection method: clinical testing. Allele origin: germline.
Comment: Variant summary: PKD1 c.6335A>T (p.His2112Leu) results in a non-conservative amino acid change in the encoded protein sequence. Algorithms developed to predict the effect of missense changes on protein structure and function all suggest that this variant is likely to be disruptive. The variant was absent in 179392 control chromosomes. The available data on variant occurrences in the general population are insufficient to allow any conclusion about variant significance. c.6335A>T has been observed in at least one individual affected with Polycystic Kidney Disease (e.g. Kurashige_2015). These report(s) do not provide unequivocal conclusions about association of the variant with Polycystic Kidney Disease. To our knowledge, no experimental evidence demonstrating an impact on protein function has been reported. The following publication has been ascertained in the context of this evaluation (PMID: 24611717). No submitters have cited clinical-significance assessments for this variant to ClinVar. Based on the evidence outlined above, the variant was classified as uncertain significance.

Blueprint Genetics
Classification: Likely pathogenic for PKD1-related disorders. Last evaluated: 2024-10-29. Review status: criteria provided, single submitter. Criteria: ACMG Guidelines, 2015. Collection method: clinical testing. Allele origin: germline. Affected: yes. Observed: 1 variant allele.

Literature cited by the submitters: PubMed 37231942 (cited by Victorian Clinical Genetics Services, Murdoch Childrens Research Institute); PubMed 24611717 (cited by Victorian Clinical Genetics Services, Murdoch Childrens Research Institute and Women's Health and Genetics/Laboratory Corporation of America, LabCorp).